The following is an entry in ClinVar:

ClinVar aggregate classification (germline): Uncertain significance (1 of 4 stars; one submission).

Conditions:
CACNA1A-related disorder. Also called: CACNA1A-related condition.

Submission:

PreventionGenetics, part of Exact Sciences
Classification: Uncertain significance for CACNA1A-related condition. Last evaluated: 2025-10-22. Review status: criteria provided, single submitter. Criteria: ACMG Guidelines, 2015. Collection method: clinical testing. Allele origin: germline.
Comment: The CACNA1A c.4519G>C variant is predicted to result in the amino acid substitution p.Ala1507Pro. To our knowledge, this variant has not been reported in the literature or in a large population database (gnomAD), indicating this variant is rare. Statistical evidence in gnomAD suggests the CACNA1A gene is intolerant of missense variation. Alternate missense changes at the same amino acid position (p.Ala1507Ser (also known as p.Ala1508Ser and p.Ala1511Ser using alternate transcript nomenclature), p.Ala1507Thr (aka p.Ala1508Thr), and p.Ala1507Asp (aka p.Ala1508Asp and p.p.Ala1511Asp)) have been reported in individuals with early-onset epileptic encephalopathy, congenital cerebral ataxia, and autism spectrum disorder (Myers et al. 2016. PubMed ID: 27476654; Gur-Hartman et al. 2021. PubMed ID: 33349592; Table S3, Zhou et al. 2022. PubMed ID: 35982159). Although we suspect that this variant may be pathogenic, at this time, the clinical significance of this variant is uncertain due to the absence of conclusive functional and genetic evidence.

NM_001127222.2(CACNA1A):c.4519G>C (p.Ala1507Pro)

Gene: CACNA1A (calcium voltage-gated channel subunit alpha1 A; minus strand). Cytogenetic location: 19p13.13.
Variant type: single nucleotide variant.
Coding change: c.4519G>C on transcript NM_001127222.2 (MANE Select); coding-DNA position 4519, G replaced by C.
Protein change: p.Ala1507Pro; replaces alanine 1507 with proline.
Molecular consequence: missense variant.
Genome position (GRCh38, 1-based): chr19:13,257,421, C>G on the plus strand (G>C on the coding strand, the complement: CACNA1A is on the minus strand). VCF-style: chr19-13257421-C-G. GRCh37 (hg19) VCF-style: chr19-13368235-C-G.
Other names: c.4531G>C, p.Ala1511Pro (NM_000068.4, NM_023035.3); c.4522G>C, p.Ala1508Pro (NM_001127221.2, NM_001174080.2); short protein forms A1508P, A1507P, A1511P.
Identifiers: ClinVar variation 4992400 (VCV004992400.1).